The following is an entry in ClinVar:

ClinVar aggregate classification (germline): Uncertain significance. Review status: criteria provided, multiple submitters, no conflicts (2 of 4 stars). 2 submissions from 2 submitters: Uncertain significance (2). Last evaluated 2026-01-03.

Conditions:
Inborn genetic diseases. Identifiers: MedGen C0950123, MeSH D030342.

gnomAD v4.1: 4 of 1,613,268 alleles (0.00025%); highest among the groups gnomAD compares: East Asian, 0.0067%; no homozygotes.

Submissions (2):

Ambry Genetics
Classification: Uncertain significance for Inborn genetic diseases. Last evaluated: 2026-01-03. Review status: criteria provided, single submitter. Criteria: Ambry Variant Classification Scheme 2023. Collection method: clinical testing. Allele origin: germline.
Comment: The p.G907R variant (also known as c.2719G>A), located in coding exon 1 of the SAMD9 gene, results from a G to A substitution at nucleotide position 2719. The glycine at codon 907 is replaced by arginine, an amino acid with dissimilar properties. This amino acid position is conserved. In addition, this alteration is predicted to be tolerated by in silico analysis. Based on the available evidence, the clinical significance of this variant remains unclear.

GeneDx
Classification: Uncertain significance. Last evaluated: 2024-05-06. Review status: criteria provided, single submitter. Criteria: GeneDx Variant Classification Process June 2021. Collection method: clinical testing. Allele origin: germline. Affected: yes.
Comment: Not observed at significant frequency in large population cohorts (gnomAD); In silico analysis indicates that this missense variant does not alter protein structure/function; Has not been previously published as pathogenic or benign to our knowledge; This variant is associated with the following publications: (PMID: 28545555)

NM_017654.4(SAMD9):c.2719G>A (p.Gly907Arg)

Gene: SAMD9 (sterile alpha motif domain containing 9; minus strand). Cytogenetic location: 7q21.2.
Variant type: single nucleotide variant.
Coding change: c.2719G>A on transcript NM_017654.4 (MANE Select); coding-DNA position 2719, G replaced by A.
Protein change: p.Gly907Arg; replaces glycine 907 with arginine.
Molecular consequence: missense variant.
Genome position (GRCh38, 1-based): chr7:93,103,379, C>T on the plus strand (G>A on the coding strand, the complement: SAMD9 is on the minus strand). VCF-style: chr7-93103379-C-T. GRCh37 (hg19) VCF-style: chr7-92732692-C-T.
Other names: c.2719G>A, p.Gly907Arg (NM_001193307.2); short protein forms G907R.
Identifiers: ClinVar variation 3375539 (VCV003375539.2).